The following is an entry in ClinVar:

ClinVar aggregate classification (germline): Uncertain significance (1 of 4 stars; one submission).

Submission:

Labcorp Genetics (formerly Invitae), Labcorp
Classification: Uncertain significance. Last evaluated: 2023-07-17. Review status: criteria provided, single submitter. Criteria: Invitae Variant Classification Sherloc (09022015). Collection method: clinical testing. Allele origin: germline.
Comment: This sequence change replaces cysteine, which is neutral and slightly polar, with tyrosine, which is neutral and polar, at codon 1464 of the TECTA protein (p.Cys1464Tyr). This variant is not present in population databases (gnomAD no frequency). This variant has not been reported in the literature in individuals affected with TECTA-related conditions. ClinVar contains an entry for this variant (Variation ID: 2117318). Advanced modeling of protein sequence and biophysical properties (such as structural, functional, and spatial information, amino acid conservation, physicochemical variation, residue mobility, and thermodynamic stability) has been performed at Invitae for this missense variant, however the output from this modeling did not meet the statistical confidence thresholds required to predict the impact of this variant on TECTA protein function. In summary, the available evidence is currently insufficient to determine the role of this variant in disease. Therefore, it has been classified as a Variant of Uncertain Significance.

NM_005422.4(TECTA):c.4391G>A (p.Cys1464Tyr)

Genes: TBCEL-TECTA (TBCEL-TECTA readthrough; plus strand), TECTA (tectorin alpha; plus strand). Cytogenetic location: 11q23.3.
Variant type: single nucleotide variant.
Coding change: c.4391G>A on transcript NM_005422.4 (MANE Select); coding-DNA position 4391, G replaced by A.
Protein change: p.Cys1464Tyr; replaces cysteine 1464 with tyrosine.
Molecular consequence: missense variant.
Genome position (GRCh38, 1-based): chr11:121,157,926, G>A. VCF-style: chr11-121157926-G-A. GRCh37 (hg19) VCF-style: chr11-121028635-G-A.
Other names: c.5348G>A, p.Cys1783Tyr (NM_001378761.1); short protein forms C1783Y, C1464Y.
Identifiers: ClinVar variation 2117318 (VCV002117318.4), dbSNP rs2496972826, ClinGen allele CA383026771.